The following is an entry in ClinVar:

ClinVar aggregate classification (germline): Uncertain significance (0 of 4 stars; one submission).

Conditions:
Wolff-Parkinson-White pattern. Also called: WPW SYNDROME; Auriculoventricular accessory pathway syndrome; False bundle branch block syndrome; Anomalous ventricular excitation syndrome. Identifiers: MedGen C0043202, MONDO:0008685, OMIM 194200, HP:0001716.

Allele frequency attached by ClinVar (database versions not stated): gnomAD exomes below 0.00001; ExAC 0.00001.
gnomAD v4.1: 9 of 1,612,936 alleles (0.00056%); highest among the groups gnomAD compares: Non-Finnish European, 0.00076%; no homozygotes.

Submission:

Lupski Lab, Baylor-Hopkins CMG, Baylor College of Medicine
Classification: Uncertain significance for Wolff-Parkinson-White pattern. Last evaluated: 2017-07-14. Review status: no assertion criteria provided. Collection method: research. Allele origin: inherited. Affected: yes. Observed: 1 variant allele. Study: Candidate_variants_in_patients_with_ Wolff-Parkinson-White Syndrome.

NM_130797.4(DPP6):c.1091C>G (p.Pro364Arg)

Gene: DPP6 (dipeptidyl peptidase like 6; plus strand). Cytogenetic location: 7q36.2.
Variant type: single nucleotide variant.
Coding change: c.1091C>G on transcript NM_130797.4 (MANE Select); coding-DNA position 1091, C replaced by G.
Protein change: p.Pro364Arg; replaces proline 364 with arginine.
Molecular consequence: missense variant. On other transcripts: non-coding transcript variant (2).
Genome position (GRCh38, 1-based): chr7:154,772,897, C>G. VCF-style: chr7-154772897-C-G. GRCh37 (hg19) VCF-style: chr7-154564607-C-G.
Other names: c.899C>G, p.Pro300Arg (NM_001039350.3, NM_001364501.2); c.770C>G, p.Pro257Arg (NM_001290252.2); c.908C>G, p.Pro303Arg (NM_001364497.2, NM_001364498.2, NM_001364499.2 and 1 more transcripts); c.905C>G, p.Pro302Arg (NM_001936.5); short protein forms P300R, P257R, P303R, P302R, P364R.
Identifiers: ClinVar variation 487598 (VCV000487598.1), dbSNP rs756673341, ClinGen allele CA4583406.
Genomic context (GRCh38, chr7:154,772,897, plus strand): 5'-ATCCCCAGGCTGGAAGTGAGAACCCCAGCATTTCCCTACACGTTATTGGCTTAAATGGAC[C>G]CACCCATGATCTGGAGATGATGCCGCCTGATGATCCACGGATGAGGTTTGCTTCCTTCTA-3'
Protein context (NP_570629.2, residues 354-374): ISLHVIGLNG[Pro364Arg]THDLEMMPPD